The following is an entry in ClinVar:

NM_000218.3(KCNQ1):c.1446del (p.Asn483fs)

Genes: KCNQ1 (potassium voltage-gated channel subfamily Q member 1; plus strand), KCNQ1OT1 (KCNQ1 opposite strand/antisense transcript 1; minus strand). Cytogenetic location: 11p15.5.
Variant type: Deletion.
Coding change: c.1446del on transcript NM_000218.3 (MANE Select); coding-DNA position 1446, one base deleted (C; older notation c.1446delC).
Protein change: p.Asn483fs; shifts the reading frame from asparagine 483.
Molecular consequence: frameshift variant.
Genome position (GRCh38, 1-based): chr11:2,662,013, C deleted; the last of 2 consecutive C bases (chr11:2,662,012-2,662,013); deleting either gives the same sequence. VCF-style (leftmost placement, unchanged base first): chr11-2662011-AC-A. GRCh37 (hg19) VCF-style: chr11-2683241-AC-A.
Other names: c.1446del (NM_000218.2); c.1446delC, p.Asn483Thrfs (NM_000218.2); c.1350del, p.Asn451fs (NM_001406836.1); c.1176del, p.Asn393fs (NM_001406837.1); c.906del, p.Asn303fs (NM_001406838.1); c.1065del, p.Asn356fs (NM_181798.2); short protein forms N483fs, N356fs, N303fs, N393fs, N451fs.
Identifiers: ClinVar variation 200884 (VCV000200884.12), dbSNP rs794728558, ClinGen allele CA005767.

ClinVar aggregate classification (germline): Pathogenic. Review status: criteria provided, multiple submitters, no conflicts (2 of 4 stars). 2 submissions from 2 submitters: Pathogenic (2). Last evaluated 2024-07-09.

Conditions:
Long QT syndrome (LQTS). Identifiers: MedGen C0023976, MeSH D008133, MONDO:0002442. Disease mechanism: loss of function. Inheritance: Various modes of inheritance.

Submissions (2):

GeneDx
Classification: Pathogenic. Last evaluated: 2024-07-09. Review status: criteria provided, single submitter. Criteria: GeneDx Variant Classification Process June 2021. Collection method: clinical testing. Allele origin: germline. Affected: yes.
Comment: Frameshift variant predicted to result in protein truncation or nonsense mediated decay in a gene for which loss of function is a known mechanism of disease; Not observed at significant frequency in large population cohorts (gnomAD); Has not been previously published as pathogenic or benign to our knowledge

Labcorp Genetics (formerly Invitae), Labcorp
Classification: Pathogenic for Long QT syndrome. Last evaluated: 2022-09-23. Review status: criteria provided, single submitter. Criteria: Invitae Variant Classification Sherloc (09022015). Collection method: clinical testing. Allele origin: germline.
Comment: ClinVar contains an entry for this variant (Variation ID: 200884). This variant has not been reported in the literature in individuals affected with KCNQ1-related conditions. This variant is present in population databases (rs794728558, gnomAD 0.006%). This sequence change creates a premature translational stop signal (p.Asn483Thrfs*15) in the KCNQ1 gene. It is expected to result in an absent or disrupted protein product. Loss-of-function variants in KCNQ1 are known to be pathogenic (PMID: 9323054, 19862833). For these reasons, this variant has been classified as Pathogenic.

Literature cited by the submitters: PubMed 9323054 (cited by Labcorp Genetics (formerly Invitae), Labcorp); PubMed 19862833 (cited by Labcorp Genetics (formerly Invitae), Labcorp).